The following is an entry in ClinVar:

ClinVar aggregate classification (germline): Likely benign (1 of 4 stars; one submission).

gnomAD v4.1: 307 of 1,614,038 alleles (0.019%); highest among the groups gnomAD compares: East Asian, 0.42%; no homozygotes.

Submission:

CeGaT Center for Human Genetics Tuebingen
Classification: Likely benign. Last evaluated: 2026-03-01. Review status: criteria provided, single submitter. Criteria: CeGaT Center For Human Genetics Tuebingen Variant Classification Criteria Version 2. Collection method: clinical testing. Allele origin: germline. Affected: yes. Observed: 2 variant alleles.
Comment: CARS1: BP4, BP7

NM_001014437.3(CARS1):c.1989C>T (p.Leu663=)

Gene: CARS1 (cysteinyl-tRNA synthetase 1; minus strand). Cytogenetic location: 11p15.4.
Variant type: single nucleotide variant.
Coding change: c.1989C>T on transcript NM_001014437.3 (MANE Select); coding-DNA position 1989, C replaced by T.
Protein change: p.Leu663=; no amino-acid change (leucine 663 retained).
Molecular consequence: synonymous variant. On other transcripts: non-coding transcript variant (4).
Genome position (GRCh38, 1-based): chr11:3,012,274, G>A on the plus strand (C>T on the coding strand, the complement: CARS1 is on the minus strand). VCF-style: chr11-3012274-G-A. GRCh37 (hg19) VCF-style: chr11-3033504-G-A.
Other names: c.1989C>T, p.Leu663= (NM_001194997.2); c.1779C>T, p.Leu593= (NM_001378136.1); c.1710C>T, p.Leu570= (NM_001378137.1, NM_001378138.1, NM_001378139.1); c.1464C>T, p.Leu488= (NM_001378140.1); c.1740C>T, p.Leu580= (NM_001751.6, NM_139273.4).
Identifiers: ClinVar variation 3770611 (VCV003770611.13).